The following is an entry in ClinVar:

NM_000548.5(TSC2):c.2382G>A (p.Gln794=)

Gene: TSC2 (TSC complex subunit 2; plus strand). Cytogenetic location: 16p13.3.
Variant type: single nucleotide variant.
Coding change: c.2382G>A on transcript NM_000548.5 (MANE Select); coding-DNA position 2382, G replaced by A.
Protein change: p.Gln794=; no amino-acid change (glutamine 794 retained).
Molecular consequence: synonymous variant.
Genome position (GRCh38, 1-based): chr16:2,074,226, G>A. VCF-style: chr16-2074226-G-A. GRCh37 (hg19) VCF-style: chr16-2124227-G-A.
Other names: c.2382G>A, p.Gln794= (NM_001077183.3, NM_001114382.3, NM_001363528.2 and 3 more transcripts); c.2271G>A, p.Gln757= (NM_001318827.2); c.2235G>A, p.Gln745= (NM_001318829.2); c.1782G>A, p.Gln594= (NM_001318831.2); c.2415G>A, p.Gln805= (NM_001318832.2).
Identifiers: ClinVar variation 807948 (VCV000807948.21), dbSNP rs778138047, ClinGen allele CA038832.

ClinVar aggregate classification (germline): Benign/Likely benign. Review status: criteria provided, multiple submitters, no conflicts (2 of 4 stars). 3 submissions from 3 submitters: Benign (1); Likely benign (2). Last evaluated 2025-10-28.

Conditions:
Hereditary cancer-predisposing syndrome. Also called: Hereditary Cancer Syndrome; Neoplastic Syndromes, Hereditary; Hereditary neoplastic syndrome; Tumor predisposition. Identifiers: Orphanet 140162, MedGen C0027672, MeSH D009386, MONDO:0015356.
Tuberous sclerosis 2 (TSC2). Identifiers: Orphanet 805, MedGen C1860707, MONDO:0013199, OMIM 613254.

Allele frequency attached by ClinVar (database versions not stated): gnomAD exomes below 0.00001; ExAC 0.00001.

Submissions (3):

Labcorp Genetics (formerly Invitae), Labcorp
Classification: Likely benign for Tuberous sclerosis 2. Last evaluated: 2025-10-28. Review status: criteria provided, single submitter. Criteria: Invitae Variant Classification Sherloc (09022015). Collection method: clinical testing. Allele origin: germline.

Myriad Genetics, Inc.
Classification: Benign for Tuberous sclerosis 2. Last evaluated: 2025-05-20. Review status: criteria provided, single submitter. Criteria: Myriad Autosomal Dominant, Autosomal Recessive and X-Linked Classification Criteria (2023). Collection method: clinical testing. Allele origin: unknown.
Comment: This variant is considered benign. This variant is a silent/synonymous amino acid change and it is not expected to impact splicing.

Ambry Genetics
Classification: Likely benign for Hereditary cancer-predisposing syndrome. Last evaluated: 2020-10-26. Review status: criteria provided, single submitter. Criteria: Ambry Variant Classification Scheme 2023. Collection method: clinical testing. Allele origin: germline.